The following is an entry in ClinVar:

ClinVar aggregate classification (germline): Uncertain significance (1 of 4 stars; one submission).

Conditions:
Epileptic encephalopathy. Identifiers: MedGen C0543888, HP:0200134.

gnomAD v4.1: 1 of 1,405,836 alleles (0.000071%); highest among the groups gnomAD compares: Non-Finnish European, 0.000093%; no homozygotes.

Submission:

Labcorp Genetics (formerly Invitae), Labcorp
Classification: Uncertain significance for Epileptic encephalopathy. Last evaluated: 2024-07-06. Review status: criteria provided, single submitter. Criteria: Invitae Variant Classification Sherloc (09022015). Collection method: clinical testing. Allele origin: germline.
Comment: This sequence change replaces valine, which is neutral and non-polar, with isoleucine, which is neutral and non-polar, at codon 938 of the GABBR2 protein (p.Val938Ile). This variant is not present in population databases (gnomAD no frequency). This variant has not been reported in the literature in individuals affected with GABBR2-related conditions. An algorithm developed to predict the effect of missense changes on protein structure and function (PolyPhen-2) suggests that this variant is likely to be tolerated. In summary, the available evidence is currently insufficient to determine the role of this variant in disease. Therefore, it has been classified as a Variant of Uncertain Significance.

NM_005458.8(GABBR2):c.2812G>A (p.Val938Ile)

Gene: GABBR2 (gamma-aminobutyric acid type B receptor subunit 2; minus strand). Cytogenetic location: 9q22.33.
Variant type: single nucleotide variant.
Coding change: c.2812G>A on transcript NM_005458.8 (MANE Select); coding-DNA position 2812, G replaced by A.
Protein change: p.Val938Ile; replaces valine 938 with isoleucine.
Molecular consequence: missense variant.
Genome position (GRCh38, 1-based): chr9:98,290,598, C>T on the plus strand (G>A on the coding strand, the complement: GABBR2 is on the minus strand). VCF-style: chr9-98290598-C-T. GRCh37 (hg19) VCF-style: chr9-101052880-C-T.
Other names: short protein forms V938I.
Identifiers: ClinVar variation 3691089 (VCV003691089.2).
Genomic context (GRCh38, chr9:98,290,598, plus strand): 5'-GTGTGGTTCTGTCACGGGGGAGGCCCCGGGCCCAGGCCTCCCACCCTTACAGGCCCGAGA[C>T]CATGACTCGGAAGGAGGGTGGCACATGTCTGTGGCGGGGGCTGGCGGTGGGGCTGACGCA-3'
Protein context (NP_005449.5, residues 928-941): RHVPPSFRVM[Val938Ile]SGL